The following is an entry in ClinVar:

NM_020987.5(ANK3):c.2269A>T (p.Asn757Tyr)

Gene: ANK3 (ankyrin 3; minus strand). Cytogenetic location: 10q21.2.
Variant type: single nucleotide variant.
Coding change: c.2269A>T on transcript NM_020987.5 (MANE Select); coding-DNA position 2269, A replaced by T.
Protein change: p.Asn757Tyr; replaces asparagine 757 with tyrosine.
Molecular consequence: missense variant.
Genome position (GRCh38, 1-based): chr10:60,173,102, T>A on the plus strand (A>T on the coding strand, the complement: ANK3 is on the minus strand). VCF-style: chr10-60173102-T-A. GRCh37 (hg19) VCF-style: chr10-61932860-T-A.
Other names: c.2251A>T, p.Asn751Tyr (NM_001204403.2); c.2218A>T, p.Asn740Tyr (NM_001204404.2); c.2269A>T, p.Asn757Tyr (NM_001320874.2); short protein forms N757Y, N740Y, N751Y.
Identifiers: ClinVar variation 2268595 (VCV002268595.2), dbSNP rs901972071, ClinGen allele CA376985906.

ClinVar aggregate classification (germline): Uncertain significance (1 of 4 stars; one submission).

Conditions:
Inborn genetic diseases. Identifiers: MedGen C0950123, MeSH D030342.

Submission:

Ambry Genetics
Classification: Uncertain significance for Inborn genetic diseases. Last evaluated: 2022-01-31. Review status: criteria provided, single submitter. Criteria: Ambry Variant Classification Scheme 2023. Collection method: clinical testing. Allele origin: germline.
Comment: The c.2269A>T (p.N757Y) alteration is located in exon 19 (coding exon 19) of the ANK3 gene. This alteration results from an A to T substitution at nucleotide position 2269, causing the asparagine (N) at amino acid position 757 to be replaced by a tyrosine (Y). This variant was not reported in population-based cohorts in the Genome Aggregation Database (gnomAD). This amino acid position is well conserved in available vertebrate species. The in silico prediction for this alteration is inconclusive. Based on insufficient or conflicting evidence, the clinical significance of this alteration remains unclear.